The following is an entry in ClinVar:

NM_004667.6(HERC2):c.10012G>A (p.Val3338Ile)

Gene: HERC2 (HECT and RLD domain containing E3 ubiquitin protein ligase 2; minus strand). Cytogenetic location: 15q13.1.
Variant type: single nucleotide variant.
Coding change: c.10012G>A on transcript NM_004667.6 (MANE Select); coding-DNA position 10012, G replaced by A.
Protein change: p.Val3338Ile; replaces valine 3338 with isoleucine.
Molecular consequence: missense variant.
Genome position (GRCh38, 1-based): chr15:28,174,440, C>T on the plus strand (G>A on the coding strand, the complement: HERC2 is on the minus strand). VCF-style: chr15-28174440-C-T. GRCh37 (hg19) VCF-style: chr15-28419586-C-T.
Other names: short protein forms V3338I.
Identifiers: ClinVar variation 4278647 (VCV004278647.1).
Genomic context (GRCh38, chr15:28,174,440, plus strand): 5'-ACAAATCTGTGTTACCTAAATAGGAAGCACCTAAAGGGTCTCTTGCAGTCTGGAAGAGGA[C>T]GGGCTCGTGGACAGAGGGCGTGGCCACATCCACAGTTGTCCACGCCACACTGTGGGACGA-3'
Protein context (NP_004658.3, residues 3328-3348): DVATPSVHEP[Val3338Ile]LFQTARDPLG

ClinVar aggregate classification (germline): Uncertain significance (1 of 4 stars; one submission).

Submission:

GeneDx
Classification: Uncertain significance. Last evaluated: 2025-04-03. Review status: criteria provided, single submitter. Criteria: GeneDx Variant Classification Process June 2021. Collection method: clinical testing. Allele origin: germline. Affected: yes.
Comment: Not observed at significant frequency in large population cohorts (gnomAD); In silico analysis indicates that this missense variant does not alter protein structure/function; Has not been previously published as pathogenic or benign to our knowledge